The following is an entry in ClinVar:

NM_001983.4(ERCC1):c.502G>A (p.Val168Ile)

Gene: ERCC1 (ERCC excision repair 1, endonuclease non-catalytic subunit; minus strand). Cytogenetic location: 19q13.32.
Variant type: single nucleotide variant.
Coding change: c.502G>A on transcript NM_001983.4 (MANE Select); coding-DNA position 502, G replaced by A.
Protein change: p.Val168Ile; replaces valine 168 with isoleucine.
Molecular consequence: missense variant.
Genome position (GRCh38, 1-based): chr19:45,419,121, C>T on the plus strand (G>A on the coding strand, the complement: ERCC1 is on the minus strand). VCF-style: chr19-45419121-C-T. GRCh37 (hg19) VCF-style: chr19-45922379-C-T.
Other names: c.502G>A, p.Val168Ile (NM_001166049.2, NM_001369408.1, NM_001369409.1 and 11 more transcripts); short protein forms V168I.
Identifiers: ClinVar variation 2018170 (VCV002018170.4), dbSNP rs2513611712, ClinGen allele CA406357700.

ClinVar aggregate classification (germline): Uncertain significance (1 of 4 stars; one submission).

Submission:

Labcorp Genetics (formerly Invitae), Labcorp
Classification: Uncertain significance. Last evaluated: 2022-07-19. Review status: criteria provided, single submitter. Criteria: Invitae Variant Classification Sherloc (09022015). Collection method: clinical testing. Allele origin: germline.
Comment: This sequence change replaces valine, which is neutral and non-polar, with isoleucine, which is neutral and non-polar, at codon 168 of the ERCC1 protein (p.Val168Ile). This variant is not present in population databases (gnomAD no frequency). This variant has not been reported in the literature in individuals affected with ERCC1-related conditions. Algorithms developed to predict the effect of missense changes on protein structure and function output the following: SIFT: "Tolerated"; PolyPhen-2: "Benign"; Align-GVGD: "Class C0". The isoleucine amino acid residue is found in multiple mammalian species, which suggests that this missense change does not adversely affect protein function. In summary, the available evidence is currently insufficient to determine the role of this variant in disease. Therefore, it has been classified as a Variant of Uncertain Significance.